The following is an entry in ClinVar:

NM_002234.4(KCNA5):c.704A>T (p.Gln235Leu)

Gene: KCNA5 (potassium voltage-gated channel subfamily A member 5; plus strand). Cytogenetic location: 12p13.32.
Variant type: single nucleotide variant.
Coding change: c.704A>T on transcript NM_002234.4 (MANE Select); coding-DNA position 704, A replaced by T.
Protein change: p.Gln235Leu; replaces glutamine 235 with leucine.
Molecular consequence: missense variant.
Genome position (GRCh38, 1-based): chr12:5,044,851, A>T. VCF-style: chr12-5044851-A-T. GRCh37 (hg19) VCF-style: chr12-5154017-A-T.
Other names: short protein forms Q235L.
Identifiers: ClinVar variation 4744407 (VCV004744407.1).
Genomic context (GRCh38, chr12:5,044,851, plus strand): 5'-AGGATGAGGGCTTCATTAAAGAAGAGGAGAAGCCCCTGCCCCGCAACGAGTTCCAGCGCC[A>T]GGTGTGGCTTATCTTCGAGTATCCGGAGAGCTCTGGGTCCGCGCGGGCCATCGCCATCGT-3'
Protein context (NP_002225.2, residues 225-245): KPLPRNEFQR[Gln235Leu]VWLIFEYPES

ClinVar aggregate classification (germline): Uncertain significance (1 of 4 stars; one submission).

Conditions:
Atrial fibrillation, familial, 7 (ATFB7). Identifiers: MedGen C2677106, MONDO:0012828, OMIM 612240.

Submission:

Labcorp Genetics (formerly Invitae), Labcorp
Classification: Uncertain significance for Atrial fibrillation, familial, 7. Last evaluated: 2025-09-09. Review status: criteria provided, single submitter. Criteria: Invitae Variant Classification Sherloc (09022015). Collection method: clinical testing. Allele origin: germline.
Comment: This sequence change replaces glutamine, which is neutral and polar, with leucine, which is neutral and non-polar, at codon 235 of the KCNA5 protein (p.Gln235Leu). This variant is not present in population databases (gnomAD no frequency). This variant has not been reported in the literature in individuals affected with KCNA5-related conditions. Invitae Evidence Modeling of protein sequence and biophysical properties (such as structural, functional, and spatial information, amino acid conservation, physicochemical variation, residue mobility, and thermodynamic stability) indicates that this missense variant is not expected to disrupt KCNA5 protein function with a negative predictive value of 80%. In summary, the available evidence is currently insufficient to determine the role of this variant in disease. Therefore, it has been classified as a Variant of Uncertain Significance.